The following is an entry in ClinVar:

NM_203288.2(RP9):c.313+5G>C

Gene: RP9 (RP9 pre-mRNA splicing factor; minus strand). Cytogenetic location: 7p14.3.
Variant type: single nucleotide variant.
Coding change: c.313+5G>C on transcript NM_203288.2 (MANE Select); 5 bases into the intron after coding-DNA position 313, G replaced by C.
Molecular consequence: intron variant.
Genome position (GRCh38, 1-based): chr7:33,099,302, C>G on the plus strand (G>C on the coding strand, the complement: RP9 is on the minus strand). VCF-style: chr7-33099302-C-G. GRCh37 (hg19) VCF-style: chr7-33138914-C-G.
Identifiers: ClinVar variation 1309262 (VCV001309262.2), dbSNP rs765877467, ClinGen allele CA573516765.
Genomic context (GRCh38, chr7:33,099,302, plus strand): 5'-GTAAACACTCTTTGTAAATTGAGGCATGTAAGTTGCATGGATTAGGGAAACTCTCCCACA[C>G]TCACACTGCATAACTTTGACTTCTTTCCCCAGTGGCATCCAAAGTCCTTTAGTTGGTGCA-3'

ClinVar aggregate classification (germline): Uncertain significance (1 of 4 stars; one submission).

gnomAD v4.1: 3 of 1,612,832 alleles (0.00019%); highest among the groups gnomAD compares: Admixed American, 0.005%; no homozygotes.

Submission:

GeneDx
Classification: Uncertain significance. Last evaluated: 2019-10-18. Review status: criteria provided, single submitter. Criteria: GeneDx Variant Classification Process June 2021. Collection method: clinical testing. Allele origin: germline. Affected: yes.
Comment: Not observed at a significant frequency in large population cohorts (Lek et al., 2016); In silico analysis, which includes splice predictors and evolutionary conservation, supports a deleterious effect; Has not been previously published as pathogenic or benign to our knowledge